The following is an entry in ClinVar:

ClinVar aggregate classification (germline): Uncertain significance (1 of 4 stars; one submission).

Submission:

Labcorp Genetics (formerly Invitae), Labcorp
Classification: Uncertain significance. Last evaluated: 2024-11-03. Review status: criteria provided, single submitter. Criteria: Invitae Variant Classification Sherloc (09022015). Collection method: clinical testing. Allele origin: germline.
Comment: This sequence change replaces valine, which is neutral and non-polar, with methionine, which is neutral and non-polar, at codon 63 of the ADGRA3 protein (p.Val63Met). This variant is not present in population databases (gnomAD no frequency). This variant has not been reported in the literature in individuals affected with ADGRA3-related conditions. An algorithm developed to predict the effect of missense changes on protein structure and function (PolyPhen-2) suggests that this variant is likely to be tolerated. In summary, the available evidence is currently insufficient to determine the role of this variant in disease. Therefore, it has been classified as a Variant of Uncertain Significance.

NM_145290.4(ADGRA3):c.187G>A (p.Val63Met)

Gene: ADGRA3 (adhesion G protein-coupled receptor A3; minus strand). Cytogenetic location: 4p15.2.
Variant type: single nucleotide variant.
Coding change: c.187G>A on transcript NM_145290.4 (MANE Select); coding-DNA position 187, G replaced by A.
Protein change: p.Val63Met; replaces valine 63 with methionine.
Molecular consequence: missense variant.
Genome position (GRCh38, 1-based): chr4:22,515,598, C>T on the plus strand (G>A on the coding strand, the complement: ADGRA3 is on the minus strand). VCF-style: chr4-22515598-C-T. GRCh37 (hg19) VCF-style: chr4-22517221-C-T.
Other names: short protein forms V63M.
Identifiers: ClinVar variation 3724575 (VCV003724575.2).